The following is an entry in ClinVar:

NM_015346.4(ZFYVE26):c.886+9C>T

Gene: ZFYVE26 (zinc finger FYVE-type containing 26; minus strand). Cytogenetic location: 14q24.1.
Variant type: single nucleotide variant.
Coding change: c.886+9C>T on transcript NM_015346.4 (MANE Select); 9 bases into the intron after coding-DNA position 886, C replaced by T.
Molecular consequence: intron variant.
Genome position (GRCh38, 1-based): chr14:67,807,389, G>A on the plus strand (C>T on the coding strand, the complement: ZFYVE26 is on the minus strand). VCF-style: chr14-67807389-G-A. GRCh37 (hg19) VCF-style: chr14-68274106-G-A.
Other names: p.?.
Identifiers: ClinVar variation 1151352 (VCV001151352.10), dbSNP rs1487961068, ClinGen allele CA615188703.

ClinVar aggregate classification (germline): Likely benign. Review status: criteria provided, multiple submitters, no conflicts (2 of 4 stars). 2 submissions from 2 submitters: Likely benign (2). Last evaluated 2025-10-23.

Conditions:
Spastic paraplegia. Identifiers: MedGen C0037772, HP:0001258.

Allele frequency attached by ClinVar (database versions not stated): gnomAD exomes below 0.00001; TOPMed below 0.00001; gnomAD 0.00001.
gnomAD v4.1: 3 of 1,613,848 alleles (0.00019%); highest among the groups gnomAD compares: Non-Finnish European, 0.00025%; no homozygotes.

Submissions (2):

Mayo Clinic Laboratories, Mayo Clinic
Classification: Likely benign. Last evaluated: 2025-10-23. Review status: criteria provided, single submitter. Criteria: ACMG Guidelines, 2015. Collection method: clinical testing. Allele origin: germline. Observed: 1 variant allele.
Comment: BP4, BP7

Labcorp Genetics (formerly Invitae), Labcorp
Classification: Likely benign for Spastic paraplegia. Last evaluated: 2023-12-12. Review status: criteria provided, single submitter. Criteria: Invitae Variant Classification Sherloc (09022015). Collection method: clinical testing. Allele origin: germline.